The following is an entry in ClinVar:

NM_006269.2(RP1):c.2613A>T (p.Lys871Asn)

Gene: RP1 (RP1 axonemal microtubule associated; plus strand). Cytogenetic location: 8q12.1.
Variant type: single nucleotide variant.
Coding change: c.2613A>T on transcript NM_006269.2 (MANE Select); coding-DNA position 2613, A replaced by T.
Protein change: p.Lys871Asn; replaces lysine 871 with asparagine.
Molecular consequence: missense variant. On other transcripts: intron variant (1).
Genome position (GRCh38, 1-based): chr8:54,626,495, A>T. VCF-style: chr8-54626495-A-T. GRCh37 (hg19) VCF-style: chr8-55539055-A-T.
Other names: c.787+4207A>T (NM_001375654.1); c.2613A>T (NM_006269.1); short protein forms K871N.
Identifiers: ClinVar variation 2186912 (VCV002186912.5), dbSNP rs775043315, ClinGen allele CA4751564.

ClinVar aggregate classification (germline): Uncertain significance. Review status: criteria provided, multiple submitters, no conflicts (2 of 4 stars). 2 submissions from 2 submitters: Uncertain significance (2). Last evaluated 2025-03-31.

Conditions:
RP1-related disorder. Also called: RP1-related condition.

Allele frequency attached by ClinVar (database versions not stated): ExAC 0.00002; TOPMed 0.00002.
gnomAD v4.1: 10 of 1,613,778 alleles (0.00062%); highest among the groups gnomAD compares: Admixed American, 0.017%; no homozygotes.

Submissions (2):

Labcorp Genetics (formerly Invitae), Labcorp
Classification: Uncertain significance. Last evaluated: 2025-03-31. Review status: criteria provided, single submitter. Criteria: Invitae Variant Classification Sherloc (09022015). Collection method: clinical testing. Allele origin: germline.
Comment: This sequence change replaces lysine, which is basic and polar, with asparagine, which is neutral and polar, at codon 871 of the RP1 protein (p.Lys871Asn). This variant is present in population databases (rs775043315, gnomAD 0.02%). This variant has not been reported in the literature in individuals affected with RP1-related conditions. ClinVar contains an entry for this variant (Variation ID: 2186912). An algorithm developed to predict the effect of missense changes on protein structure and function (PolyPhen-2) suggests that this variant is likely to be disruptive. In summary, the available evidence is currently insufficient to determine the role of this variant in disease. Therefore, it has been classified as a Variant of Uncertain Significance.

PreventionGenetics, part of Exact Sciences
Classification: Uncertain significance for RP1-related condition. Last evaluated: 2024-10-10. Review status: criteria provided, single submitter. Criteria: ACMG Guidelines, 2015. Collection method: clinical testing. Allele origin: germline.
Comment: The RP1 c.2613A>T variant is predicted to result in the amino acid substitution p.Lys871Asn. To our knowledge, this variant has not been reported in the literature. This variant is reported in 0.020% of alleles in individuals of Latino descent in gnomAD. At this time, the clinical significance of this variant is uncertain due to the absence of conclusive functional and genetic evidence.